The following is an entry in ClinVar:

NM_001379291.1(BRD4):c.2509C>G (p.Pro837Ala)

Gene: BRD4 (bromodomain containing 4; minus strand). Cytogenetic location: 19p13.12.
Variant type: single nucleotide variant.
Coding change: c.2509C>G on transcript NM_001379291.1 (MANE Select); coding-DNA position 2509, C replaced by G.
Protein change: p.Pro837Ala; replaces proline 837 with alanine.
Molecular consequence: missense variant.
Genome position (GRCh38, 1-based): chr19:15,244,303, G>C on the plus strand (C>G on the coding strand, the complement: BRD4 is on the minus strand). VCF-style: chr19-15244303-G-C. GRCh37 (hg19) VCF-style: chr19-15355114-G-C.
Other names: c.2509C>G, p.Pro837Ala (NM_058243.3); short protein forms P837A.
Identifiers: ClinVar variation 2142896 (VCV002142896.5), dbSNP rs142351555, ClinGen allele CA9264934.
Genomic context (GRCh38, chr19:15,244,303, plus strand): 5'-CCACTGCGTGCTGGTTGAGATGGGGTGGAGTGCTGTGCTCAGGCGGCTGGGGCAGGTGAG[G>C]GGGCAGCTCAGGCTGCGGCAGGTGCAGGATGGGCTGGGTGAAGTGGCCGATGGGGTCAAA-3'
Protein context (NP_001366220.1, residues 827-847): ILHLPQPELP[Pro837Ala]HLPQPPEHST

ClinVar aggregate classification (germline): Uncertain significance. Review status: criteria provided, multiple submitters, no conflicts (2 of 4 stars). 2 submissions from 2 submitters: Uncertain significance (2). Last evaluated 2026-07-01.

Allele frequency attached by ClinVar (database versions not stated): gnomAD 0.00004; TOPMed 0.00004; ExAC 0.00007; ESP Exome Variant Server 0.00008; gnomAD exomes 0.00009.
gnomAD v4.1: 132 of 1,597,078 alleles (0.0083%); highest among the groups gnomAD compares: Non-Finnish European, 0.011%; no homozygotes.

Submissions (2):

CeGaT Center for Human Genetics Tuebingen
Classification: Uncertain significance. Last evaluated: 2026-07-01. Review status: criteria provided, single submitter. Criteria: CeGaT Center For Human Genetics Tuebingen Variant Classification Criteria Version 2. Collection method: clinical testing. Allele origin: germline. Affected: yes. Observed: 1 variant allele.
Comment: BRD4: PM2:Supporting, BP4

Labcorp Genetics (formerly Invitae), Labcorp
Classification: Uncertain significance. Last evaluated: 2025-10-26. Review status: criteria provided, single submitter. Criteria: Invitae Variant Classification Sherloc (09022015). Collection method: clinical testing. Allele origin: germline.
Comment: This sequence change replaces proline, which is neutral and non-polar, with alanine, which is neutral and non-polar, at codon 837 of the BRD4 protein (p.Pro837Ala). This variant is present in population databases (rs142351555, gnomAD 0.004%). This variant has not been reported in the literature in individuals affected with BRD4-related conditions. ClinVar contains an entry for this variant (Variation ID: 2142896). An algorithm developed to predict the effect of missense changes on protein structure and function (PolyPhen-2) suggests that this variant is likely to be disruptive. In summary, the available evidence is currently insufficient to determine the role of this variant in disease. Therefore, it has been classified as a Variant of Uncertain Significance.